The following is an entry in ClinVar:

ClinVar aggregate classification (germline): Uncertain significance (1 of 4 stars; one submission).

Submission:

Labcorp Genetics (formerly Invitae), Labcorp
Classification: Uncertain significance. Last evaluated: 2023-09-08. Review status: criteria provided, single submitter. Criteria: Invitae Variant Classification Sherloc (09022015). Collection method: clinical testing. Allele origin: germline.
Comment: An algorithm developed to predict the effect of missense changes on protein structure and function (PolyPhen-2) suggests that this variant is likely to be disruptive. This sequence change replaces glutamine, which is neutral and polar, with histidine, which is basic and polar, at codon 1426 of the NIN protein (p.Gln1426His). This variant is not present in population databases (gnomAD no frequency). This variant has not been reported in the literature in individuals affected with NIN-related conditions. In summary, the available evidence is currently insufficient to determine the role of this variant in disease. Therefore, it has been classified as a Variant of Uncertain Significance.

NM_020921.4(NIN):c.4278G>C (p.Gln1426His)

Gene: NIN (ninein; minus strand). Cytogenetic location: 14q22.1.
Variant type: single nucleotide variant.
Coding change: c.4278G>C on transcript NM_020921.4 (MANE Select); coding-DNA position 4278, G replaced by C.
Protein change: p.Gln1426His; replaces glutamine 1426 with histidine.
Molecular consequence: missense variant. On other transcripts: intron variant (1).
Genome position (GRCh38, 1-based): chr14:50,756,752, C>G on the plus strand (G>C on the coding strand, the complement: NIN is on the minus strand). VCF-style: chr14-50756752-C-G. GRCh37 (hg19) VCF-style: chr14-51223470-C-G.
Other names: c.4278G>C, p.Gln1426His (NM_182944.3, NM_182946.2); c.2400-1885G>C (NM_016350.5); short protein forms Q1426H.
Identifiers: ClinVar variation 2758880 (VCV002758880.3), dbSNP rs2505800289, ClinGen allele CA389693558.